The following is an entry in ClinVar:

NM_000512.5(GALNS):c.1460A>G (p.Asn487Ser)

Genes: GALNS (galactosamine (N-acetyl)-6-sulfatase; minus strand), LOC126862447 (CDK7 strongly-dependent group 2 enhancer GRCh37_chr16:88884193-88885392; plus strand). Cytogenetic location: 16q24.3.
Variant type: single nucleotide variant.
Coding change: c.1460A>G on transcript NM_000512.5 (MANE Select); coding-DNA position 1460, A replaced by G.
Protein change: p.Asn487Ser; replaces asparagine 487 with serine.
Molecular consequence: missense variant.
Genome position (GRCh38, 1-based): chr16:88,818,029, T>C on the plus strand (A>G on the coding strand, the complement: GALNS is on the minus strand). VCF-style: chr16-88818029-T-C. GRCh37 (hg19) VCF-style: chr16-88884437-T-C.
Other names: c.905A>G, p.Asn302Ser (NM_001323543.2); c.1478A>G, p.Asn493Ser (NM_001323544.2); short protein forms N487S, N302S, N493S.
Identifiers: ClinVar variation 701 (VCV000000701.9), dbSNP rs118204440, ClinGen allele CA251565.

ClinVar aggregate classification (germline): Conflicting classifications of pathogenicity. Review status: criteria provided, conflicting classifications (1 of 4 stars). 4 submissions from 4 submitters: Pathogenic (1); Likely pathogenic (1); Uncertain significance (1). 1 of the submissions does not count toward it. Last evaluated 2026-02-03.

Conditions:
Morquio syndrome. Also called: Mucopolysaccharidosis, Type IV; MPS IV; Mucopolysaccharidosis type 4; Eccentrochondrodysplasia. Identifiers: Orphanet 582, MedGen C0026707, MONDO:0018938.
Mucopolysaccharidosis, MPS-IV-A (MPS4A). Also called: GALACTOSAMINE-6-SULFATASE DEFICIENCY; GALNS DEFICIENCY; MPS IVA; Mucopolysaccharidosis type IV A; Morquio syndrome A, mild; MORQUIO A DISEASE. Identifiers: Orphanet 309297, Orphanet 582, MedGen C0086651, MONDO:0009659, OMIM 253000.

Allele frequency attached by ClinVar (database versions not stated): gnomAD exomes 0.00001.
gnomAD v4.1: 7 of 1,583,390 alleles (0.00044%); highest among the groups gnomAD compares: South Asian, 0.0023%; no homozygotes.

Submissions (4):

Women's Health and Genetics/Laboratory Corporation of America, LabCorp
Classification: Likely pathogenic for Morquio syndrome. Last evaluated: 2026-02-03. Review status: criteria provided, single submitter. Criteria: LabCorp Variant Classification Summary - May 2015. Collection method: clinical testing. Allele origin: germline.
Comment: Variant summary: GALNS c.1460A>G (p.Asn487Ser) results in a conservative amino acid change in the encoded protein sequence. Algorithms developed to predict the effect of missense changes on protein structure and function are either unavailable or do not agree on the potential impact of this missense change. The variant was absent in 202640 control chromosomes. c.1460A>G has been observed in the presumed or confirmed compound heterozygous state in at least 2 individual(s) affected with Mucopolysaccharidosis Type IVA (Morquio Syndrome A) (example, Tomatsu_1995a,b). These data indicate that the variant may be associated with disease. To our knowledge, no experimental evidence demonstrating an impact on protein function has been reported. A different variant affecting the same codon has been classified as likely pathogenic (c.1460A>T, p.Asn487Ile), supporting the critical relevance of codon 487 to GALNS protein function. The following publications have been ascertained in the context of this evaluation (PMID: 7668283, 12442278, 25501214, 25287660, 7581409, 22940367, 16287098, 16837223, 25137622). ClinVar contains an entry for this variant (Variation ID: 701). Based on the evidence outlined above, the variant was classified as likely pathogenic.

Labcorp Genetics (formerly Invitae), Labcorp
Classification: Pathogenic for Mucopolysaccharidosis, MPS-IV-A. Last evaluated: 2023-10-25. Review status: criteria provided, single submitter. Criteria: Invitae Variant Classification Sherloc (09022015). Collection method: clinical testing. Allele origin: germline.
Comment: This sequence change replaces asparagine, which is neutral and polar, with serine, which is neutral and polar, at codon 487 of the GALNS protein (p.Asn487Ser). This variant is not present in population databases (gnomAD no frequency). This missense change has been observed in individual(s) with mucopolysaccharidosis IVA (PMID: 7581409). In at least one individual the data is consistent with being in trans (on the opposite chromosome) from a pathogenic variant. ClinVar contains an entry for this variant (Variation ID: 701). Advanced modeling of protein sequence and biophysical properties (such as structural, functional, and spatial information, amino acid conservation, physicochemical variation, residue mobility, and thermodynamic stability) performed at Invitae indicates that this missense variant is expected to disrupt GALNS protein function with a positive predictive value of 95%. This variant disrupts the p.Asn487 amino acid residue in GALNS. Other variant(s) that disrupt this residue have been observed in individuals with GALNS-related conditions (PMID: 7581409, 25545067, 34387910), which suggests that this may be a clinically significant amino acid residue. For these reasons, this variant has been classified as Pathogenic.

Laboratory of Diagnosis and Therapy of Lysosomal Disorders, University of Padova
Classification: Uncertain significance for Mucopolysaccharidosis, MPS-IV-A. Last evaluated: 2021-02-01. Review status: criteria provided, single submitter. Criteria: ACMG Guidelines, 2015. Collection method: curation. Allele origin: germline. Affected: yes.
Comment: Absent from gnomAD v2.1.1 (PM2_moderate)

OMIM
Classification: Pathogenic for MUCOPOLYSACCHARIDOSIS, TYPE IVA. Last evaluated: 1995-01-01. Review status: no assertion criteria provided. Collection method: literature only. Allele origin: germline. Not counted in ClinVar's aggregate classification.

Literature cited by the submitters: PubMed 25137622 (cited by Women's Health and Genetics/Laboratory Corporation of America, LabCorp); PubMed 25501214 (cited by Women's Health and Genetics/Laboratory Corporation of America, LabCorp); PubMed 16287098 (cited by Women's Health and Genetics/Laboratory Corporation of America, LabCorp); PubMed 25287660 (cited by Women's Health and Genetics/Laboratory Corporation of America, LabCorp); PubMed 16837223 (cited by Women's Health and Genetics/Laboratory Corporation of America, LabCorp); PubMed 7668283 (cited by Women's Health and Genetics/Laboratory Corporation of America, LabCorp); PubMed 22940367 (cited by Women's Health and Genetics/Laboratory Corporation of America, LabCorp); PubMed 12442278 (cited by Women's Health and Genetics/Laboratory Corporation of America, LabCorp); PubMed 7581409 (cited by 3 submitters); PubMed 25545067 (cited by Labcorp Genetics (formerly Invitae), Labcorp); PubMed 34387910 (cited by Labcorp Genetics (formerly Invitae), Labcorp and Laboratory of Diagnosis and Therapy of Lysosomal Disorders, University of Padova); PubMed 7633425 (cited by Laboratory of Diagnosis and Therapy of Lysosomal Disorders, University of Padova).